The following is an entry in ClinVar:

NM_000179.3(MSH6):c.145_146delinsAA (p.Ala49Asn)

Gene: MSH6 (mutS homolog 6; plus strand). Cytogenetic location: 2p16.3.
Variant type: Indel.
Coding change: c.145_146delinsAA on transcript NM_000179.3 (MANE Select); coding-DNA positions 145 to 146, GC replaced by AA.
Protein change: p.Ala49Asn; replaces alanine 49 with asparagine.
Molecular consequence: missense variant. On other transcripts: 5 prime UTR variant (1).
Genome position (GRCh38, 1-based): chr2:47,783,378-47,783,379, GC replaced by AA. VCF-style: chr2-47783378-GC-AA. GRCh37 (hg19) VCF-style: chr2-48010517-GC-AA.
Other names: c.145_146delGCinsAA, p.Ala49Asn (NM_000179.2, NM_001406795.1, NM_001406796.1 and 9 more transcripts); c.145_146delinsAA, p.Ala49Asn (NM_001281492.2); c.-592_-591delinsAA (NM_001281493.2); c.-184_-183delGCinsAA (NM_001406799.1); c.90_91delGCinsAA, p.Pro31Thr (NM_001406804.1); c.-784_-783delGCinsAA (NM_001406807.1); c.-592_-591delGCinsAA (NM_001406811.1); c.-439_-438delGCinsAA (NM_001406812.1); and 3 more; short protein forms A49N, P31T.
Identifiers: ClinVar variation 1772925 (VCV001772925.6), dbSNP rs2530318858, ClinGen allele CA2580067057.

ClinVar aggregate classification (germline): Uncertain significance. Review status: criteria provided, multiple submitters, no conflicts (2 of 4 stars). 3 submissions from 3 submitters: Uncertain significance (3). Last evaluated 2025-07-02.

Conditions:
Hereditary cancer-predisposing syndrome. Also called: Hereditary Cancer Syndrome; Hereditary neoplastic syndrome; Neoplastic Syndromes, Hereditary; Tumor predisposition. Identifiers: Orphanet 140162, MedGen C0027672, MeSH D009386, MONDO:0015356.
Hereditary nonpolyposis colorectal neoplasms. Identifiers: MedGen C0009405, MeSH D003123.

Submissions (3):

Labcorp Genetics (formerly Invitae), Labcorp
Classification: Uncertain significance for Hereditary nonpolyposis colorectal neoplasms. Last evaluated: 2025-07-02. Review status: criteria provided, single submitter. Criteria: Invitae Variant Classification Sherloc (09022015). Collection method: clinical testing. Allele origin: germline.
Comment: This sequence change replaces alanine, which is neutral and non-polar, with asparagine, which is neutral and polar, at codon 49 of the MSH6 protein (p.Ala49Asn). This variant is present in population databases (no rsID available, gnomAD 0.0005%). This variant has not been reported in the literature in individuals affected with MSH6-related conditions. ClinVar contains an entry for this variant (Variation ID: 1772925). An algorithm developed to predict the effect of missense changes on protein structure and function (PolyPhen-2) suggests that this variant is likely to be disruptive. In summary, the available evidence is currently insufficient to determine the role of this variant in disease. Therefore, it has been classified as a Variant of Uncertain Significance.

Quest Diagnostics Nichols Institute San Juan Capistrano
Classification: Uncertain significance. Last evaluated: 2023-04-13. Review status: criteria provided, single submitter. Criteria: Quest Diagnostics criteria. Collection method: clinical testing. Allele origin: unknown.
Comment: The variant has not been reported in the published literature. It also has not been reported in large, multi-ethnic general populations. Analysis of this variant using bioinformatics tools for the prediction of the effect of amino acid changes on protein structure and function yielded predictions that this variant is damaging. Based on the available information, we are unable to determine the clinical significance of this variant.

Ambry Genetics
Classification: Uncertain significance for Hereditary cancer-predisposing syndrome. Last evaluated: 2022-02-01. Review status: criteria provided, single submitter. Criteria: Ambry Variant Classification Scheme 2023. Collection method: clinical testing. Allele origin: germline.
Comment: The c.145_146delGCinsAA variant, located in coding exon 1 of the MSH6 gene, results from an in-frame deletion of GC and insertion of AA at nucleotide positions 145 to 146. This results in the substitution of the alanine residue for an asparagine residue at codon 49, an amino acid with dissimilar properties. This amino acid position is highly conserved in available vertebrate species. In addition, this alteration is predicted to be neutral by in silico analysis (Choi Y et al. PLoS ONE. 2012; 7(10):e46688). Since supporting evidence is limited at this time, the clinical significance of this alteration remains unclear.